The following is an entry in ClinVar:

ClinVar aggregate classification (germline): Uncertain significance (1 of 4 stars; one submission).

Conditions:
DDB1-related disorder. Also called: DDB1-related condition.

Submission:

PreventionGenetics, part of Exact Sciences
Classification: Uncertain significance for DDB1-related condition. Last evaluated: 2023-05-08. Review status: criteria provided, single submitter. Criteria: ACMG Guidelines, 2015. Collection method: clinical testing. Allele origin: germline.
Comment: The DDB1 c.2195G>T variant is predicted to result in the amino acid substitution p.Cys732Phe. To our knowledge, this variant has not been reported in the literature or in a large population database, indicating this variant is rare. At this time, the clinical significance of this variant is uncertain due to the absence of conclusive functional and genetic evidence.

NM_001923.5(DDB1):c.2195G>T (p.Cys732Phe)

Gene: DDB1 (damage specific DNA binding protein 1; minus strand). Cytogenetic location: 11q12.2.
Variant type: single nucleotide variant.
Coding change: c.2195G>T on transcript NM_001923.5 (MANE Select); coding-DNA position 2195, G replaced by T.
Protein change: p.Cys732Phe; replaces cysteine 732 with phenylalanine.
Molecular consequence: missense variant.
Genome position (GRCh38, 1-based): chr11:61,311,866, C>A on the plus strand (G>T on the coding strand, the complement: DDB1 is on the minus strand). VCF-style: chr11-61311866-C-A. GRCh37 (hg19) VCF-style: chr11-61079338-C-A.
Other names: short protein forms C732F.
Identifiers: ClinVar variation 2632814 (VCV002632814.1), dbSNP rs2539668514, ClinGen allele CA380661713.